The following is an entry in ClinVar:

ClinVar aggregate classification (germline): Uncertain significance (1 of 4 stars; one submission).

Submission:

GeneDx
Classification: Uncertain significance. Last evaluated: 2024-11-13. Review status: criteria provided, single submitter. Criteria: GeneDx Variant Classification Process June 2021. Collection method: clinical testing. Allele origin: germline. Affected: yes.
Comment: Not observed at significant frequency in large population cohorts (gnomAD); In silico analysis supports that this missense variant has a deleterious effect on protein structure/function; Has not been previously published as pathogenic or benign to our knowledge

NM_032217.5(ANKRD17):c.926C>T (p.Ala309Val)

Gene: ANKRD17 (ankyrin repeat domain 17; minus strand). Cytogenetic location: 4q13.3.
Variant type: single nucleotide variant.
Coding change: c.926C>T on transcript NM_032217.5 (MANE Select); coding-DNA position 926, C replaced by T.
Protein change: p.Ala309Val; replaces alanine 309 with valine.
Molecular consequence: missense variant.
Genome position (GRCh38, 1-based): chr4:73,155,705, G>A on the plus strand (C>T on the coding strand, the complement: ANKRD17 is on the minus strand). VCF-style: chr4-73155705-G-A. GRCh37 (hg19) VCF-style: chr4-74021422-G-A.
Other names: c.587C>T, p.Ala196Val (NM_001286771.3); c.926C>T, p.Ala309Val (NM_015574.2, NM_198889.3); short protein forms A196V, A309V.
Identifiers: ClinVar variation 3899583 (VCV003899583.1).
Genomic context (GRCh38, chr4:73,155,705, plus strand): 5'-GCATTAACATCTGCTTTATGAGCTAGCAGCAACTTCACAATTTTGACATGTCCTCCATTA[G>A]CAGCAGCCATTAAAGGTGTAATGTCACCTTTGATTCCCCTATCTTCCACATTTGCATGCA-3'
Protein context (NP_115593.3, residues 299-319): KGDITPLMAA[Ala309Val]NGGHVKIVKL